The following is an entry in ClinVar:

NM_014049.5(ACAD9):c.883-33A>G

Genes: ACAD9 (acyl-CoA dehydrogenase family member 9; plus strand), LOC126806807 (BRD4-independent group 4 enhancer GRCh37_chr3:128620937-128622136; plus strand). Cytogenetic location: 3q21.3.
Variant type: single nucleotide variant.
Coding change: c.883-33A>G on transcript NM_014049.5 (MANE Select); 33 bases into the intron before coding-DNA position 883, A replaced by G.
Molecular consequence: intron variant.
Genome position (GRCh38, 1-based): chr3:128,902,520, A>G. VCF-style: chr3-128902520-A-G. GRCh37 (hg19) VCF-style: chr3-128621363-A-G.
Identifiers: ClinVar variation 671703 (VCV000671703.2), dbSNP rs7617561, ClinGen allele CA2601326.

ClinVar aggregate classification (germline): Benign. Review status: criteria provided, multiple submitters, no conflicts (2 of 4 stars). 2 submissions from 2 submitters: Benign (2). Last evaluated 2018-06-14.

Allele frequency attached by ClinVar (database versions not stated): gnomAD exomes 0.01860 and 0.03232; ESP Exome Variant Server 0.02337; gnomAD 0.02677 and 0.02984; TOPMed 0.02752; ExAC 0.03471; 1000 Genomes Project 30x 0.05653; 1000 Genomes Project 0.05691.
gnomAD v4.1: 32,032 of 1,613,306 alleles (2%); highest among the groups gnomAD compares: South Asian, 10%; 941 homozygotes.

Submissions (2):

GeneDx
Classification: Benign. Last evaluated: 2018-06-14. Review status: criteria provided, single submitter. Criteria: GeneDx Variant Classification (06012015). Collection method: clinical testing. Allele origin: germline. Affected: yes.
Comment: This variant is considered likely benign or benign based on one or more of the following criteria: it is a conservative change, it occurs at a poorly conserved position in the protein, it is predicted to be benign by multiple in silico algorithms, and/or has population frequency not consistent with disease.

Breakthrough Genomics
Classification: Benign. Review status: criteria provided, single submitter. Criteria: ACMG Guidelines, 2015. Collection method: not provided. Allele origin: germline. Inheritance: Autosomal recessive inheritance. Affected: yes.